The following is an entry in ClinVar:

NM_001267550.2(TTN):c.75443del (p.Gly25148fs)

Genes: TTN (titin; minus strand), TTN-AS1 (TTN antisense RNA 1; plus strand). Cytogenetic location: 2q31.2.
Variant type: Deletion.
Coding change: c.75443del on transcript NM_001267550.2 (MANE Select); coding-DNA position 75443, one base deleted (G; older notation c.75443delG).
Protein change: p.Gly25148fs; shifts the reading frame from glycine 25148.
Molecular consequence: frameshift variant.
Genome position (GRCh38, 1-based): chr2:178,570,689, C deleted on the plus strand (G on the coding strand, the reverse complement: TTN is on the minus strand); the first of 2 consecutive C bases (chr2:178,570,689-178,570,690); deleting either gives the same sequence. VCF-style (leftmost placement, unchanged base first): chr2-178570688-AC-A. GRCh37 (hg19) VCF-style: chr2-179435415-AC-A.
Other names: c.67739delG (NM_133378.4); c.70520del, p.Gly23507fs (NM_001256850.1); c.48248del, p.Gly16083fs (NM_003319.4); c.67739del, p.Gly22580fs (NM_133378.4); c.48623del, p.Gly16208fs (NM_133432.3); c.48824del, p.Gly16275fs (NM_133437.4); short protein forms G16208fs, G16275fs, G25148fs, G22580fs, G23507fs, G16083fs.
Identifiers: ClinVar variation 504935 (VCV000504935.6), dbSNP rs1553603456, ClinGen allele CA658796032.

ClinVar aggregate classification (germline): Likely pathogenic. Review status: criteria provided, multiple submitters, no conflicts (2 of 4 stars). 2 submissions from 2 submitters: Likely pathogenic (2). Last evaluated 2026-01-19.

Conditions:
Autosomal recessive limb-girdle muscular dystrophy type 2J (LGMDR10). Also called: MUSCULAR DYSTROPHY, LIMB-GIRDLE, AUTOSOMAL RECESSIVE 10; Limb-girdle muscular dystrophy, type 2J. Identifiers: Orphanet 140922, MedGen C1837342, MONDO:0012127, OMIM 608807.
Dilated cardiomyopathy 1G (CMD1G). Identifiers: Orphanet 154, MedGen C1858763, MONDO:0011400, OMIM 604145.
Primary dilated cardiomyopathy (DCM). Also called: Dilated Cardiomyopathy. Identifiers: Orphanet 217604, MedGen C0007193, MeSH D002311, MONDO:0005021, HP:0001644. Inheritance: Various modes of inheritance.

Submissions (2):

Labcorp Genetics (formerly Invitae), Labcorp
Classification: Likely pathogenic for Dilated cardiomyopathy 1G; Autosomal recessive limb-girdle muscular dystrophy type 2J. Last evaluated: 2026-01-19. Review status: criteria provided, single submitter. Criteria: Invitae Variant Classification Sherloc (09022015). Collection method: clinical testing. Allele origin: germline.
Comment: This sequence change creates a premature translational stop signal (p.Gly25148Valfs*11) in the TTN gene. While this is not anticipated to result in nonsense mediated decay, it is expected to create a truncated TTN protein. This variant is not present in population databases (gnomAD no frequency). This premature translational stop signal has been observed in individual(s) with dilated cardiomyopathy (PMID: 37652022). ClinVar contains an entry for this variant (Variation ID: 504935). This variant is located in the A band of TTN (PMID: 25589632). Truncating variants in this region are significantly overrepresented in patients affected with dilated cardiomyopathy (PMID: 25589632). Truncating variants in this region have also been reported in individuals affected with autosomal recessive centronuclear myopathy (PMID: 23975875). In summary, the currently available evidence indicates that the variant is pathogenic, but additional data are needed to prove that conclusively. Therefore, this variant has been classified as Likely Pathogenic.

Laboratory for Molecular Medicine, Mass General Brigham Personalized Medicine
Classification: Likely pathogenic for Primary dilated cardiomyopathy. Last evaluated: 2016-04-14. Review status: criteria provided, single submitter. Criteria: LMM Criteria. Collection method: clinical testing. Allele origin: germline. Inheritance: Autosomal dominant inheritance. Observed: 1 variant allele.
Comment: The p.Gly22580fs variant in TTN has not been previously reported in individuals with cardiomyopathy or in large population studies, though the ability of these studies to accurately detect indels may be limited. This variant is predicted to cause a frameshift, which alters the protein?s amino acid sequence beginning at position 22580 and leads to a premature termination codon 11 amino acids downst ream. This alteration is then predicted to lead to a truncated or absent protein . Frameshift and other truncating variants in TTN are strongly associated with D CM if they impact the exons encoding for the A-band (Herman 2012, Pugh 2014) and /or are located in an exon that is highly expressed in the heart (Roberts 2015). The p.Gly22580fs variant is located in A-band in the highly expressed exon 275. In summary, although additional studies are required to fully establish its cli nical significance, the p.Gly22580fs variant is likely pathogenic.

Literature cited by the submitters: PubMed 37652022 (cited by Labcorp Genetics (formerly Invitae), Labcorp); PubMed 25589632 (cited by Labcorp Genetics (formerly Invitae), Labcorp); PubMed 23975875 (cited by Labcorp Genetics (formerly Invitae), Labcorp).